The following is an entry in ClinVar:

ClinVar aggregate classification (germline): Likely benign (1 of 4 stars; one submission).

gnomAD v4.1: 427 of 1,609,152 alleles (0.027%); highest among the groups gnomAD compares: African/African-American, 0.41%; 3 homozygotes.

Submission:

CeGaT Center for Human Genetics Tuebingen
Classification: Likely benign. Last evaluated: 2026-05-01. Review status: criteria provided, single submitter. Criteria: CeGaT Center For Human Genetics Tuebingen Variant Classification Criteria Version 2. Collection method: clinical testing. Allele origin: germline. Affected: yes. Observed: 1 variant allele.
Comment: DOT1L: BP4, BP7

NM_032482.3(DOT1L):c.2823C>A (p.Gly941=)

Gene: DOT1L (DOT1 like histone lysine methyltransferase; plus strand). Cytogenetic location: 19p13.3.
Variant type: single nucleotide variant.
Coding change: c.2823C>A on transcript NM_032482.3 (MANE Select); coding-DNA position 2823, C replaced by A.
Protein change: p.Gly941=; no amino-acid change (glycine 941 retained).
Molecular consequence: synonymous variant.
Genome position (GRCh38, 1-based): chr19:2,221,992, C>A. VCF-style: chr19-2221992-C-A. GRCh37 (hg19) VCF-style: chr19-2221991-C-A.
Other names: c.2823C>A, p.Gly941= (NM_001411141.1).
Identifiers: ClinVar variation 4872155 (VCV004872155.2).